The following is an entry in ClinVar:

NM_032188.3(KAT8):c.715G>A (p.Glu239Lys)

Gene: KAT8 (lysine acetyltransferase 8; plus strand). Cytogenetic location: 16p11.2.
Variant type: single nucleotide variant.
Coding change: c.715G>A on transcript NM_032188.3 (MANE Select); coding-DNA position 715, G replaced by A.
Protein change: p.Glu239Lys; replaces glutamic acid 239 with lysine.
Molecular consequence: missense variant.
Genome position (GRCh38, 1-based): chr16:31,128,083, G>A. VCF-style: chr16-31128083-G-A. GRCh37 (hg19) VCF-style: chr16-31139404-G-A.
Other names: c.715G>A, p.Glu239Lys (NM_182958.4); short protein forms E239K.
Identifiers: ClinVar variation 3766203 (VCV003766203.1).

ClinVar aggregate classification (germline): Uncertain significance (1 of 4 stars; one submission).

Submission:

GeneDx
Classification: Uncertain significance. Last evaluated: 2024-08-21. Review status: criteria provided, single submitter. Criteria: GeneDx Variant Classification Process June 2021. Collection method: clinical testing. Allele origin: germline. Affected: yes.
Comment: Not observed at significant frequency in large population cohorts (gnomAD); In silico analysis supports that this missense variant has a deleterious effect on protein structure/function; Has not been previously published as pathogenic or benign to our knowledge